The following is an entry in ClinVar:

NM_032119.4(ADGRV1):c.18527G>A (p.Gly6176Glu)

Gene: ADGRV1 (adhesion G protein-coupled receptor V1; plus strand). Cytogenetic location: 5q14.3.
Variant type: single nucleotide variant.
Coding change: c.18527G>A on transcript NM_032119.4 (MANE Select); coding-DNA position 18527, G replaced by A.
Protein change: p.Gly6176Glu; replaces glycine 6176 with glutamic acid.
Molecular consequence: missense variant. On other transcripts: non-coding transcript variant (1).
Genome position (GRCh38, 1-based): chr5:91,150,124, G>A. VCF-style: chr5-91150124-G-A. GRCh37 (hg19) VCF-style: chr5-90445941-G-A.
Other names: short protein forms G6176E.
Identifiers: ClinVar variation 1896382 (VCV001896382.3), dbSNP rs777416633, ClinGen allele CA3342674.
Genomic context (GRCh38, chr5:91,150,124, plus strand): 5'-ACAACCAAATGTGTTGCCCTATGAAGGCCAGTTACACTGTGGAAATGAATGGGCATCCTG[G>A]ACCCAGCACAGCCTTTTTCACGCCCGGGAGTGGAATGCCTCCTGCTGGAGGGGAAATCAG-3'
Protein context (NP_115495.3, residues 6166-6186): SYTVEMNGHP[Gly6176Glu]PSTAFFTPGS

ClinVar aggregate classification (germline): Uncertain significance. Review status: criteria provided, multiple submitters, no conflicts (2 of 4 stars). 2 submissions from 2 submitters: Uncertain significance (2). Last evaluated 2022-10-13.

Allele frequency attached by ClinVar (database versions not stated): ExAC 0.00002; gnomAD exomes 0.00002.
gnomAD v4.1: 22 of 1,589,318 alleles (0.0014%); highest among the groups gnomAD compares: East Asian, 0.05%; no homozygotes.

Submissions (2):

Labcorp Genetics (formerly Invitae), Labcorp
Classification: Uncertain significance. Last evaluated: 2022-10-13. Review status: criteria provided, single submitter. Criteria: Invitae Variant Classification Sherloc (09022015). Collection method: clinical testing. Allele origin: germline.
Comment: This sequence change replaces glycine, which is neutral and non-polar, with glutamic acid, which is acidic and polar, at codon 6176 of the ADGRV1 protein (p.Gly6176Glu). This variant is not present in population databases (gnomAD no frequency). This variant has not been reported in the literature in individuals affected with ADGRV1-related conditions. Algorithms developed to predict the effect of missense changes on protein structure and function are either unavailable or do not agree on the potential impact of this missense change (SIFT: "Tolerated"; PolyPhen-2: "Probably Damaging"; Align-GVGD: "Class C0"). In summary, the available evidence is currently insufficient to determine the role of this variant in disease. Therefore, it has been classified as a Variant of Uncertain Significance.

Blueprint Genetics
Classification: Uncertain significance. Last evaluated: 2021-08-19. Review status: criteria provided, single submitter. Criteria: ACMG Guidelines, 2015. Collection method: clinical testing. Allele origin: germline.